The following is an entry in ClinVar:

NM_001379500.1(COL18A1):c.2433+18_2433+42del

Gene: COL18A1 (collagen type XVIII alpha 1 chain; plus strand). Cytogenetic location: 21q22.3.
Variant type: Deletion.
Coding change: c.2433+18_2433+42del on transcript NM_001379500.1 (MANE Select); bases 18 to 42 of the intron after coding-DNA position 2433, 25 bases deleted (CCAGTGGGGGCGGCAGATGGGGTCT).
Molecular consequence: intron variant.
Genome position (GRCh38, 1-based): chr21:45,494,933-45,494,957, CCAGTGGGGGCGGCAGATGGGGTCT deleted; deleting any 25 consecutive bases within chr21:45,494,925-45,494,957 gives the same sequence; the c. name uses the placement nearest the transcript's 3' end. VCF-style (leftmost placement, unchanged base first): chr21-45494924-CTGGGGTCTCCAGTGGGGGCGGCAGA-C. GRCh37 (hg19) VCF-style: chr21-46914838-CTGGGGTCTCCAGTGGGGGCGGCAGA-C.
Other names: c.3678+18_3678+42del (NM_130444.3); c.2973+18_2973+42del (NM_030582.4).
Identifiers: ClinVar variation 1491666 (VCV001491666.5), dbSNP rs760904439, ClinGen allele CA10067085.
Genomic context (GRCh38, chr21:45,494,924, plus strand): 5'-TCCATACGGACGGCCGGGGTACAAGGGAGAGATTGGCTTTCCTGGACGGCCGGTGAGGAC[CTGGGGTCTCCAGTGGGGGCGGCAGA>C]TGGGGTCTGGCAGGTGGGGAGCAGCCCAGGCCCACGGGGGTGACATGCCCAGAGGGGAGT-3'

ClinVar aggregate classification (germline): Uncertain significance (1 of 4 stars; one submission).

Submission:

Labcorp Genetics (formerly Invitae), Labcorp
Classification: Uncertain significance. Last evaluated: 2023-08-17. Review status: criteria provided, single submitter. Criteria: Invitae Variant Classification Sherloc (09022015). Collection method: clinical testing. Allele origin: germline.
Comment: This variant has not been reported in the literature in individuals affected with COL18A1-related conditions. This variant is present in population databases (rs760904439, gnomAD 0.007%). This sequence change falls in intron 28 of the COL18A1 gene. It does not directly change the encoded amino acid sequence of the COL18A1 protein. ClinVar contains an entry for this variant (Variation ID: 1491666). In summary, the available evidence is currently insufficient to determine the role of this variant in disease. Therefore, it has been classified as a Variant of Uncertain Significance. Experimental studies and prediction algorithms are not available or were not evaluated, and the effect of this variant on mRNA splicing is currently unknown.